The following is an entry in ClinVar:

ClinVar aggregate classification (germline): Uncertain significance (1 of 4 stars; one submission).

Conditions:
BBS9-related disorder. Also called: BBS9-related condition.

gnomAD v4.1: 4 of 1,613,412 alleles (0.00025%); highest among the groups gnomAD compares: Non-Finnish European, 0.00034%; no homozygotes.

Submission:

PreventionGenetics, part of Exact Sciences
Classification: Uncertain significance for BBS9-related condition. Last evaluated: 2025-07-16. Review status: criteria provided, single submitter. Criteria: ACMG Guidelines, 2015. Collection method: clinical testing. Allele origin: germline.
Comment: The BBS9 c.1259A>G variant is predicted to result in the amino acid substitution p.Asn420Ser. To our knowledge, this variant has not been reported in the literature. This variant is reported in 0.0015% of alleles in individuals of European (Non-Finnish) descent in gnomAD. At this time, the clinical significance of this variant is uncertain due to the absence of conclusive functional and genetic evidence.

NM_198428.3(BBS9):c.1259A>G (p.Asn420Ser)

Gene: BBS9 (Bardet-Biedl syndrome 9; plus strand). Cytogenetic location: 7p14.3.
Variant type: single nucleotide variant.
Coding change: c.1259A>G on transcript NM_198428.3 (MANE Select); coding-DNA position 1259, A replaced by G.
Protein change: p.Asn420Ser; replaces asparagine 420 with serine.
Molecular consequence: missense variant. On other transcripts: non-coding transcript variant (3).
Genome position (GRCh38, 1-based): chr7:33,340,957, A>G. VCF-style: chr7-33340957-A-G. GRCh37 (hg19) VCF-style: chr7-33380569-A-G.
Other names: c.1259A>G, p.Asn420Ser (NM_001033604.2, NM_001033605.2, NM_001348036.1 and 5 more transcripts); c.893A>G, p.Asn298Ser (NM_001348037.3, NM_001348044.3, NM_001348045.3 and 1 more transcripts); c.986A>G, p.Asn329Ser (NM_001348038.3, NM_001348039.3); c.1124A>G, p.Asn375Ser (NM_001348042.3); short protein forms N329S, N375S, N420S, N298S.
Identifiers: ClinVar variation 4997509 (VCV004997509.1).